The following is an entry in ClinVar:

ClinVar aggregate classification (germline): Uncertain significance. Review status: criteria provided, multiple submitters, no conflicts (2 of 4 stars). 5 submissions from 5 submitters: Uncertain significance (5). Last evaluated 2025-11-04.

Conditions:
Cardiovascular phenotype. Identifiers: MedGen CN230736.
Cardiomyopathy (CMYO). Also called: Cardiomyopathies. Identifiers: Orphanet 167848, MedGen C0878544, MONDO:0004994, HP:0001638. Inheritance: Various modes of inheritance.
Arrhythmogenic right ventricular dysplasia 8 (ARVD8). Also called: Arrhythmogenic Right Ventricular Dysplasia/Cardiomyopathy 8; ARRHYTHMOGENIC RIGHT VENTRICULAR DYSPLASIA, FAMILIAL, 8; ARRHYTHMOGENIC RIGHT VENTRICULAR CARDIOMYOPATHY 8. Identifiers: MedGen C1843896, MONDO:0011831, OMIM 607450.
Arrhythmogenic cardiomyopathy with wooly hair and keratoderma. Also called: Dilated cardiomyopathy with woolly hair and keratoderma; Carvajal syndrome; Arrhythmogenic cardiomyopathy with woolly hair and keratoderma; PALMOPLANTAR KERATODERMA WITH LEFT VENTRICULAR CARDIOMYOPATHY AND WOOLLY HAIR. Identifiers: Orphanet 65282, MedGen C1854063, MONDO:0011581, OMIM 605676.

Allele frequency attached by ClinVar (database versions not stated): TOPMed below 0.00001; gnomAD 0.00001.
gnomAD v4.1: 1 of 1,614,064 alleles (0.000062%); highest among the groups gnomAD compares: African/African-American, 0.0013%; no homozygotes.

Submissions (5):

Ambry Genetics
Classification: Uncertain significance for Cardiovascular phenotype. Last evaluated: 2025-11-04. Review status: criteria provided, single submitter. Criteria: Ambry Variant Classification Scheme 2023. Collection method: clinical testing. Allele origin: germline.
Comment: The p.Q1453P variant (also known as c.4358A>C), located in coding exon 23 of the DSP gene, results from an A to C substitution at nucleotide position 4358. The glutamine at codon 1453 is replaced by proline, an amino acid with similar properties. This amino acid position is well conserved in available vertebrate species. In addition, the in silico prediction for this alteration is inconclusive. Based on the available evidence, the clinical significance of this variant remains unclear.

Labcorp Genetics (formerly Invitae), Labcorp
Classification: Uncertain significance for Arrhythmogenic cardiomyopathy with wooly hair and keratoderma; Arrhythmogenic right ventricular dysplasia 8. Last evaluated: 2025-06-01. Review status: criteria provided, single submitter. Criteria: Invitae Variant Classification Sherloc (09022015). Collection method: clinical testing. Allele origin: germline.
Comment: This sequence change replaces glutamine, which is neutral and polar, with proline, which is neutral and non-polar, at codon 1453 of the DSP protein (p.Gln1453Pro). This variant is not present in population databases (gnomAD no frequency). This variant has not been reported in the literature in individuals affected with DSP-related conditions. ClinVar contains an entry for this variant (Variation ID: 1001049). An algorithm developed to predict the effect of missense changes on protein structure and function (PolyPhen-2) suggests that this variant is likely to be disruptive. In summary, the available evidence is currently insufficient to determine the role of this variant in disease. Therefore, it has been classified as a Variant of Uncertain Significance.

Women's Health and Genetics/Laboratory Corporation of America, LabCorp
Classification: Uncertain significance. Last evaluated: 2024-06-17. Review status: criteria provided, single submitter. Criteria: LabCorp Variant Classification Summary - May 2015. Collection method: clinical testing. Allele origin: germline.

All of Us Research Program, National Institutes of Health
Classification: Uncertain significance for Arrhythmogenic cardiomyopathy with wooly hair and keratoderma. Last evaluated: 2023-12-13. Review status: criteria provided, single submitter. Criteria: ACMG Guidelines, 2015. Collection method: clinical testing. Allele origin: germline. Inheritance: Autosomal dominant inheritance. Observed: 2 variant alleles, 2 heterozygotes.
Comment: This missense variant replaces glutamine with proline at codon 1453 of the DSP protein. Computational prediction is inconclusive regarding the impact of this variant on protein structure and function (internally defined REVEL score threshold 0.5 < inconclusive < 0.7, PMID: 27666373). To our knowledge, functional studies have not been reported for this variant. This variant has not been reported in individuals affected with DSP-related disorders in the literature. This variant has not been identified in the general population by the Genome Aggregation Database (gnomAD). The available evidence is insufficient to determine the role of this variant in disease conclusively. Therefore, this variant is classified as a Variant of Uncertain Significance.

This study involves interpretation of variants in research participants for the purpose of population health screening. Participant phenotype was not available at the time of variant classification. Additional details can be found in publication PMID: 35346344, PMCID: PMC8962531

Color Diagnostics, LLC DBA Color Health
Classification: Uncertain significance for Cardiomyopathy. Last evaluated: 2023-11-15. Review status: criteria provided, single submitter. Criteria: ACMG Guidelines, 2015. Collection method: clinical testing. Allele origin: germline.
Comment: This missense variant replaces glutamine with proline at codon 1453 of the DSP protein. Computational prediction is inconclusive regarding the impact of this variant on protein structure and function. To our knowledge, functional studies have not been reported for this variant. This variant has not been reported in individuals affected with DSP-related disorders in the literature. This variant has not been identified in the general population by the Genome Aggregation Database (gnomAD). The available evidence is insufficient to determine the role of this variant in disease conclusively. Therefore, this variant is classified as a Variant of Uncertain Significance.

NM_004415.4(DSP):c.4358A>C (p.Gln1453Pro)

Gene: DSP (desmoplakin; plus strand). Cytogenetic location: 6p24.3.
Variant type: single nucleotide variant.
Coding change: c.4358A>C on transcript NM_004415.4 (MANE Select); coding-DNA position 4358, A replaced by C.
Protein change: p.Gln1453Pro; replaces glutamine 1453 with proline.
Molecular consequence: missense variant. On other transcripts: intron variant (2).
Genome position (GRCh38, 1-based): chr6:7,580,548, A>C. VCF-style: chr6-7580548-A-C. GRCh37 (hg19) VCF-style: chr6-7580781-A-C.
Other names: c.4050+308A>C (NM_001319034.2); c.3582+776A>C (NM_001008844.3); c.4358A>C (NM_004415.2); short protein forms Q1453P.
Identifiers: ClinVar variation 1001049 (VCV001001049.13), dbSNP rs1464785832, ClinGen allele CA362686132.